The following is an entry in ClinVar:

ClinVar aggregate classification (germline): Uncertain significance. Review status: criteria provided, single submitter (1 of 4 stars). 2 submissions from 2 submitters: Uncertain significance (1). 1 of the submissions does not count toward it. Last evaluated 2023-11-13.

Conditions:
AUTS2-related disorder. Also called: AUTS2-related condition.

Submissions (2):

Labcorp Genetics (formerly Invitae), Labcorp
Classification: Uncertain significance. Last evaluated: 2023-11-13. Review status: criteria provided, single submitter. Criteria: Invitae Variant Classification Sherloc (09022015). Collection method: clinical testing. Allele origin: germline.
Comment: This sequence change replaces arginine, which is basic and polar, with threonine, which is neutral and polar, at codon 893 of the AUTS2 protein (p.Arg893Thr). This variant is not present in population databases (gnomAD no frequency). This variant has not been reported in the literature in individuals affected with AUTS2-related conditions. Advanced modeling of protein sequence and biophysical properties (such as structural, functional, and spatial information, amino acid conservation, physicochemical variation, residue mobility, and thermodynamic stability) performed at Invitae indicates that this missense variant is not expected to disrupt AUTS2 protein function with a negative predictive value of 80%. In summary, the available evidence is currently insufficient to determine the role of this variant in disease. Therefore, it has been classified as a Variant of Uncertain Significance.

PreventionGenetics, part of Exact Sciences
Classification: Uncertain significance for AUTS2-related condition. Last evaluated: 2024-07-16. Review status: no assertion criteria provided. Collection method: clinical testing. Allele origin: germline. Not counted in ClinVar's aggregate classification.
Comment: The AUTS2 c.2678G>C variant is predicted to result in the amino acid substitution p.Arg893Thr. To our knowledge, this variant has not been reported in the literature or in a large population database, indicating this variant is rare. At this time, the clinical significance of this variant is uncertain due to the absence of conclusive functional and genetic evidence.

NM_015570.4(AUTS2):c.2678G>C (p.Arg893Thr)

Gene: AUTS2 (activator of transcription and developmental regulator AUTS2; plus strand). Cytogenetic location: 7q11.22.
Variant type: single nucleotide variant.
Coding change: c.2678G>C on transcript NM_015570.4 (MANE Select); coding-DNA position 2678, G replaced by C.
Protein change: p.Arg893Thr; replaces arginine 893 with threonine.
Molecular consequence: missense variant.
Genome position (GRCh38, 1-based): chr7:70,789,894, G>C. VCF-style: chr7-70789894-G-C. GRCh37 (hg19) VCF-style: chr7-70254880-G-C.
Other names: c.2606G>C, p.Arg869Thr (NM_001127231.3); c.2678G>C (NM_015570.3); short protein forms R869T, R893T.
Identifiers: ClinVar variation 2692744 (VCV002692744.4), dbSNP rs1585700124, ClinGen allele CA367664605.